The following is an entry in ClinVar:

NM_024577.4(SH3TC2):c.2923C>G (p.Pro975Ala)

Gene: SH3TC2 (SH3 domain and tetratricopeptide repeats 2; minus strand). Cytogenetic location: 5q32.
Variant type: single nucleotide variant.
Coding change: c.2923C>G on transcript NM_024577.4 (MANE Select); coding-DNA position 2923, C replaced by G.
Protein change: p.Pro975Ala; replaces proline 975 with alanine.
Molecular consequence: missense variant.
Genome position (GRCh38, 1-based): chr5:149,026,702, G>C on the plus strand (C>G on the coding strand, the complement: SH3TC2 is on the minus strand). VCF-style: chr5-149026702-G-C. GRCh37 (hg19) VCF-style: chr5-148406265-G-C.
Other names: short protein forms P975A.
Identifiers: ClinVar variation 497745 (VCV000497745.11), dbSNP rs1554121529, ClinGen allele CA361665319.

ClinVar aggregate classification (germline): Uncertain significance. Review status: criteria provided, multiple submitters, no conflicts (2 of 4 stars). 4 submissions from 4 submitters: Uncertain significance (4). Last evaluated 2022-02-21.

Conditions:
Charcot-Marie-Tooth disease type 4. Also called: Charcot-Marie-Tooth disease, type IV; Charcot-Marie-Tooth, Type 4. Identifiers: Orphanet 64749, MedGen C4082197, MONDO:0018995.

Allele frequency attached by ClinVar (database versions not stated): gnomAD exomes 0.00001; TOPMed 0.00001.

Submissions (4):

Labcorp Genetics (formerly Invitae), Labcorp
Classification: Uncertain significance for Charcot-Marie-Tooth disease type 4. Last evaluated: 2022-02-21. Review status: criteria provided, single submitter. Criteria: Invitae Variant Classification Sherloc (09022015). Collection method: clinical testing. Allele origin: germline.
Comment: In summary, the available evidence is currently insufficient to determine the role of this variant in disease. Therefore, it has been classified as a Variant of Uncertain Significance. Advanced modeling of protein sequence and biophysical properties (such as structural, functional, and spatial information, amino acid conservation, physicochemical variation, residue mobility, and thermodynamic stability) performed at Invitae indicates that this missense variant is not expected to disrupt SH3TC2 protein function. ClinVar contains an entry for this variant (Variation ID: 497745). This variant has not been reported in the literature in individuals affected with SH3TC2-related conditions. This variant is not present in population databases (gnomAD no frequency). This sequence change replaces proline, which is neutral and non-polar, with alanine, which is neutral and non-polar, at codon 975 of the SH3TC2 protein (p.Pro975Ala).

Athena Diagnostics
Classification: Uncertain significance. Last evaluated: 2017-11-06. Review status: criteria provided, single submitter. Criteria: Athena Diagnostics Criteria. Collection method: clinical testing. Allele origin: germline.

GeneDx
Classification: Uncertain significance. Last evaluated: 2017-04-20. Review status: criteria provided, single submitter. Criteria: GeneDx Variant Classification Process June 2021. Collection method: clinical testing. Allele origin: germline. Affected: yes.
Comment: Not observed in large population cohorts (Lek et al., 2016; McVean et al., 2012; Exome Variant Server); In silico analyses, including protein predictors and evolutionary conservation, support a deleterious effect; Has not been previously published as pathogenic or benign to our knowledge

Eurofins Ntd Llc (ga)
Classification: Uncertain significance. Last evaluated: 2016-11-03. Review status: criteria provided, single submitter. Criteria: EGL Classification Definitions 2015. Collection method: clinical testing. Allele origin: germline. Observed: 1 variant allele, 1 heterozygote.